The following is an entry in ClinVar:

NM_020975.6(RET):c.1915G>A (p.Ala639Thr)

Gene: RET (ret proto-oncogene; plus strand). Cytogenetic location: 10q11.21.
Variant type: single nucleotide variant.
Coding change: c.1915G>A on transcript NM_020975.6 (MANE Select); coding-DNA position 1915, G replaced by A.
Protein change: p.Ala639Thr; replaces alanine 639 with threonine.
Molecular consequence: missense variant.
Genome position (GRCh38, 1-based): chr10:43,114,515, G>A. VCF-style: chr10-43114515-G-A. GRCh37 (hg19) VCF-style: chr10-43609963-G-A.
Other names: c.1915G>A, p.Ala639Thr (NM_000323.2, NM_001406743.1, NM_001406744.1 and 4 more transcripts); c.1153G>A, p.Ala385Thr (NM_001355216.2); c.1786G>A, p.Ala596Thr (NM_001406761.1, NM_001406762.1, NM_001406764.1); c.1627G>A, p.Ala543Thr (NM_001406766.1, NM_001406767.1, NM_001406770.1); c.1519G>A, p.Ala507Thr (NM_001406769.1, NM_001406772.1); c.1477G>A, p.Ala493Thr (NM_001406771.1, NM_001406773.1); c.1390G>A, p.Ala464Thr (NM_001406774.1); c.1189G>A, p.Ala397Thr (NM_001406775.1, NM_001406776.1, NM_001406777.1 and 1 more transcripts); and 7 more; short protein forms A639T, A385T, A300T, A397T, A507T, A309T, A596T, A156T.
Identifiers: ClinVar variation 241341 (VCV000241341.23), dbSNP rs777122776, ClinGen allele CA036557.

ClinVar aggregate classification (germline): Conflicting classifications of pathogenicity. Review status: criteria provided, conflicting classifications (1 of 4 stars). 11 submissions from 10 submitters: Uncertain significance (6); Likely benign (3). 2 of the submissions do not count toward it. Last evaluated 2025-09-10.

Conditions:
Hereditary cancer-predisposing syndrome. Also called: Hereditary Cancer Syndrome; Tumor predisposition; Hereditary neoplastic syndrome; Neoplastic Syndromes, Hereditary. Identifiers: Orphanet 140162, MedGen C0027672, MeSH D009386, MONDO:0015356.
Multiple endocrine neoplasia, type 2 (MEN2). Identifiers: Orphanet 653, MedGen C4048306, MONDO:0019003. Disease mechanism: gain of function.
Hirschsprung disease, susceptibility to, 1 (HSCR1). Also called: RET-Related Hirschsprung Disease. Identifiers: Orphanet 388, MedGen C3888239, MONDO:0007723, OMIM 142623.
Multiple endocrine neoplasia type 2B. Also called: MEN IIB; NEUROMATA, MUCOSAL, WITH ENDOCRINE TUMORS; Multiple endocrine neoplasia, type 3; MULTIPLE ENDOCRINE NEOPLASIA, TYPE IIB; MEN 2B; WAGENMANN-FROBOESE SYNDROME. Identifiers: Orphanet 247709, Orphanet 653, MedGen C0025269, MeSH D018814, MONDO:0008082, OMIM 162300.
Multiple endocrine neoplasia type 2A. Also called: MULTIPLE ENDOCRINE NEOPLASIA, TYPE IIA; PTC SYNDROME; SIPPLE SYNDROME; MEN 2A; MEN-2A syndrome; Pheochromocytoma and amyloid producing medullary thyroid carcinoma. Identifiers: Orphanet 247698, Orphanet 653, MedGen C0025268, MeSH D018813, MONDO:0008234, OMIM 171400.

Allele frequency attached by ClinVar (database versions not stated): TOPMed below 0.00001; gnomAD 0.00001.
gnomAD v4.1: 43 of 1,608,444 alleles (0.0027%); highest among the groups gnomAD compares: Non-Finnish European, 0.0035%; no homozygotes.

Submissions (11):

Labcorp Genetics (formerly Invitae), Labcorp
Classification: Uncertain significance for Multiple endocrine neoplasia, type 2. Last evaluated: 2025-09-10. Review status: criteria provided, single submitter. Criteria: Invitae Variant Classification Sherloc (09022015). Collection method: clinical testing. Allele origin: germline.
Comment: This sequence change replaces alanine, which is neutral and non-polar, with threonine, which is neutral and polar, at codon 639 of the RET protein (p.Ala639Thr). This variant is present in population databases (rs777122776, gnomAD 0.005%). This missense change has been observed in individual(s) with medullary thyroid carcinoma, however in some of these individuals a pathogenic variant was also identified in the RET gene (PMID: 26321248, 33827484, 34687025). ClinVar contains an entry for this variant (Variation ID: 241341). An algorithm developed to predict the effect of missense changes on protein structure and function outputs the following: PolyPhen-2: "Benign". The threonine amino acid residue is found in multiple mammalian species, which suggests that this missense change does not adversely affect protein function. In summary, the available evidence is currently insufficient to determine the role of this variant in disease. Therefore, it has been classified as a Variant of Uncertain Significance.

Blueprint Genetics
Classification: Likely benign. Last evaluated: 2024-09-23. Review status: criteria provided, single submitter. Criteria: ACMG Guidelines, 2015. Collection method: clinical testing. Allele origin: germline.

All of Us Research Program, National Institutes of Health
Classification: Uncertain significance for Multiple endocrine neoplasia, type 2. Last evaluated: 2024-03-24. Review status: criteria provided, single submitter. Criteria: ACMG Guidelines, 2015. Collection method: clinical testing. Allele origin: germline. Inheritance: Autosomal dominant inheritance. Observed: 10 variant alleles, 10 heterozygotes.
Comment: This missense variant replaces alanine with threonine at codon 639 of the RET protein. Computational prediction suggests that this variant may not impact protein structure and function (internally defined REVEL score threshold <= 0.5, PMID: 27666373). To our knowledge, functional studies have not been reported for this variant. This variant has been reported in an individual affected with medullary thyroid cancer (PMID: 26321248) and an individual affected with medullary and papillary thyroid carcinoma that are under 1-cm nodules (PMID: 34687025). This variant also has been observed in cis with a deleterious RET missense variant p.Cys618Arg in three members affected with medullary thyroid cancer in a family (PMID: 33827484). This variant has been identified in 8/279468 chromosomes in the general population by the Genome Aggregation Database (gnomAD). The available evidence is insufficient to determine the role of this variant in disease conclusively. Therefore, this variant is classified as a Variant of Uncertain Significance.

This study involves interpretation of variants in research participants for the purpose of population health screening. Participant phenotype was not available at the time of variant classification. Additional details can be found in publication PMID: 35346344, PMCID: PMC8962531

Color Diagnostics, LLC DBA Color Health
Classification: Uncertain significance for Multiple endocrine neoplasia, type 2. Last evaluated: 2024-02-15. Review status: criteria provided, single submitter. Criteria: ACMG Guidelines, 2015. Collection method: clinical testing. Allele origin: germline.
Comment: This missense variant replaces alanine with threonine at codon 639 of the RET protein. Computational prediction suggests that this variant may not impact protein structure and function. To our knowledge, functional studies have not been reported for this variant. This variant has been reported in an individual affected with medullary thyroid cancer (PMID: 26321248) and an individual affected with medullary and papillary thyroid carcinoma that are under 1-cm nodules (PMID: 34687025). This variant also has been observed in cis with a deleterious RET missense variant p.Cys618Arg in three members affected with medullary thyroid cancer in a family (PMID: 33827484). This variant has been identified in 8/279468 chromosomes in the general population by the Genome Aggregation Database (gnomAD). The available evidence is insufficient to determine the role of this variant in disease conclusively. Therefore, this variant is classified as a Variant of Uncertain Significance.

Myriad Genetics, Inc.
Classification: Likely benign for Multiple endocrine neoplasia type 2A. Last evaluated: 2023-04-17. Review status: criteria provided, single submitter. Criteria: Myriad Autosomal Dominant, Autosomal Recessive and X-Linked Classification Criteria (2023). Collection method: clinical testing. Allele origin: unknown.
Comment: This variant is considered likely benign. This variant has been observed at a population frequency that is significantly greater than expected given the associated disease prevalence and penetrance.

Ambry Genetics
Classification: Likely benign for Hereditary cancer-predisposing syndrome. Last evaluated: 2023-03-24. Review status: criteria provided, single submitter. Criteria: Ambry Variant Classification Scheme 2023. Collection method: clinical testing. Allele origin: germline.

GeneDx
Classification: Uncertain significance. Last evaluated: 2023-03-01. Review status: criteria provided, single submitter. Criteria: GeneDx Variant Classification Process June 2021. Collection method: clinical testing. Allele origin: germline. Affected: yes.
Comment: In silico analysis supports that this missense variant does not alter protein structure/function; This variant is associated with the following publications: (PMID: 14633923, 34757920, 26321248, 33827484, 34687025, 34135865)

Baylor Genetics
Classification: Uncertain significance for Hirschsprung disease, susceptibility to, 1. Last evaluated: 2023-02-21. Review status: criteria provided, single submitter. Criteria: ACMG Guidelines, 2015. Collection method: clinical testing. Allele origin: unknown.

PreventionGenetics, part of Exact Sciences
Classification: Uncertain significance. Last evaluated: 2017-12-13. Review status: criteria provided, single submitter. Criteria: ACMG Guidelines, 2015. Collection method: clinical testing. Allele origin: germline.

Counsyl
Classification: Uncertain significance for Multiple endocrine neoplasia type 2B. Last evaluated: 2016-08-16. Review status: no assertion criteria provided. Collection method: clinical testing. Allele origin: unknown. Not counted in ClinVar's aggregate classification.

Counsyl
Classification: Uncertain significance for Multiple endocrine neoplasia type 2A. Last evaluated: 2016-08-16. Review status: no assertion criteria provided. Collection method: clinical testing. Allele origin: unknown. Not counted in ClinVar's aggregate classification.

Literature cited by the submitters: PubMed 26321248 (cited by 5 submitters); PubMed 33827484 (cited by 3 submitters); PubMed 34687025 (cited by 3 submitters).